The following is an entry in ClinVar:

ClinVar aggregate classification (germline): Uncertain significance (1 of 4 stars; one submission).

Submission:

GeneDx
Classification: Uncertain significance. Last evaluated: 2026-01-21. Review status: criteria provided, single submitter. Criteria: GeneDx Variant Classification Process June 2021. Collection method: clinical testing. Allele origin: germline.
Comment: Not observed at significant frequency in large population cohorts (gnomAD); In silico analysis supports a deleterious effect on splicing; Has not been previously published as pathogenic or benign to our knowledge

NM_004408.4(DNM1):c.1558-8C>G

Gene: DNM1 (dynamin 1; plus strand). Cytogenetic location: 9q34.11.
Variant type: single nucleotide variant.
Coding change: c.1558-8C>G on transcript NM_004408.4 (MANE Select); 8 bases into the intron before coding-DNA position 1558, C replaced by G.
Molecular consequence: intron variant.
Genome position (GRCh38, 1-based): chr9:128,242,224, C>G. VCF-style: chr9-128242224-C-G. GRCh37 (hg19) VCF-style: chr9-131004503-C-G.
Other names: c.1558-8C>G (NM_001005336.3, NM_001374269.1, NM_001288738.2 and 2 more transcripts).
Identifiers: ClinVar variation 4975384 (VCV004975384.1).